The following is an entry in ClinVar:

ClinVar aggregate classification (germline): Conflicting classifications of pathogenicity. Review status: criteria provided, conflicting classifications (1 of 4 stars). 3 submissions from 3 submitters: Uncertain significance (1); Likely benign (1). 1 of the submissions does not count toward it. Last evaluated 2025-12-31.

Conditions:
Supravalvar aortic stenosis (SVAS). Also called: Supravalvar aortic stenosis, Eisenberg type. Identifiers: Orphanet 3193, MedGen C0003499, MONDO:0008504, OMIM 185500, HP:0004381.
ELN-related disorder.

Allele frequency attached by ClinVar (database versions not stated): ExAC 0.00007; gnomAD 0.00036 and 0.00034; gnomAD exomes 0.00007; TOPMed 0.00049; ESP Exome Variant Server 0.00087.
gnomAD v4.1: 108 of 1,514,806 alleles (0.0071%); highest among the groups gnomAD compares: African/African-American, 0.14%; no homozygotes.

Submissions (3):

Labcorp Genetics (formerly Invitae), Labcorp
Classification: Likely benign for Supravalvar aortic stenosis. Last evaluated: 2025-12-31. Review status: criteria provided, single submitter. Criteria: Invitae Variant Classification Sherloc (09022015). Collection method: clinical testing. Allele origin: germline.

GeneDx
Classification: Uncertain significance. Last evaluated: 2023-02-02. Review status: criteria provided, single submitter. Criteria: GeneDx Variant Classification Process June 2021. Collection method: clinical testing. Allele origin: germline. Affected: yes.
Comment: Has not been previously published as pathogenic or benign to our knowledge; In silico analysis supports that this missense variant does not alter protein structure/function

PreventionGenetics, part of Exact Sciences
Classification: Likely benign for ELN-related condition. Last evaluated: 2022-08-01. Review status: no assertion criteria provided. Collection method: clinical testing. Allele origin: germline. Not counted in ClinVar's aggregate classification.
Comment: This variant is classified as likely benign based on ACMG/AMP sequence variant interpretation guidelines (Richards et al. 2015 PMID: 25741868, with internal and published modifications).

NM_000501.4(ELN):c.1358-225T>C

Gene: ELN (elastin; plus strand). Cytogenetic location: 7q11.23.
Variant type: single nucleotide variant.
Coding change: c.1358-225T>C on transcript NM_000501.4 (MANE Select); 225 bases into the intron before coding-DNA position 1358, T replaced by C.
Molecular consequence: intron variant. On other transcripts: missense variant (1).
Genome position (GRCh38, 1-based): chr7:74,057,415, T>C. VCF-style: chr7-74057415-T-C. GRCh37 (hg19) VCF-style: chr7-73471745-T-C.
Other names: c.1391T>C, p.Val464Ala (NM_001278939.2); c.1373-225T>C (NM_001081754.3); c.1372+702T>C (NM_001081753.3); c.1358-225T>C (NM_001278915.2, NM_001278912.2); c.1357+702T>C (NM_001081755.3); c.1315+702T>C (NM_001278916.2); c.1171+702T>C (NM_001278913.2); c.1342+702T>C (NM_001278914.2); and 3 more; short protein forms V464A.
Identifiers: ClinVar variation 700554 (VCV000700554.15), dbSNP rs375867140, ClinGen allele CA4292983.
Genomic context (GRCh38, chr7:74,057,415, plus strand): 5'-AAGGCTGAAAGTTCTCCACTCCCCGAGGTGCTGCAGGAGCAGGAGTGCTGGGTGGGCTAG[T>C]GCCAGGTGCCCCAGGCGCAGTCCCAGGTGTGCCGGGCACGGGAGGAGTGCCAGGTGAGCT-3'